The following is an entry in ClinVar:

ClinVar aggregate classification (germline): Uncertain significance (1 of 4 stars; one submission).

Conditions:
RASopathy. Also called: rasopathies; Noonan spectrum disorder. Identifiers: Orphanet 536391, MedGen C5555857, MONDO:0021060.

Allele frequency attached by ClinVar (database versions not stated): TOPMed below 0.00001.

Submission:

Labcorp Genetics (formerly Invitae), Labcorp
Classification: Uncertain significance for RASopathy. Last evaluated: 2024-04-17. Review status: criteria provided, single submitter. Criteria: Invitae Variant Classification Sherloc (09022015). Collection method: clinical testing. Allele origin: germline.
Comment: This sequence change replaces proline, which is neutral and non-polar, with threonine, which is neutral and polar, at codon 197 of the RAF1 protein (p.Pro197Thr). This variant is not present in population databases (gnomAD no frequency). This variant has not been reported in the literature in individuals affected with RAF1-related conditions. ClinVar contains an entry for this variant (Variation ID: 1383637). Advanced modeling of protein sequence and biophysical properties (such as structural, functional, and spatial information, amino acid conservation, physicochemical variation, residue mobility, and thermodynamic stability) performed at Invitae indicates that this missense variant is not expected to disrupt RAF1 protein function with a negative predictive value of 95%. In summary, the available evidence is currently insufficient to determine the role of this variant in disease. Therefore, it has been classified as a Variant of Uncertain Significance.

NM_002880.4(RAF1):c.589C>A (p.Pro197Thr)

Gene: RAF1 (Raf-1 proto-oncogene, serine/threonine kinase; minus strand). Cytogenetic location: 3p25.2.
Variant type: single nucleotide variant.
Coding change: c.589C>A on transcript NM_002880.4 (MANE Select); coding-DNA position 589, C replaced by A.
Protein change: p.Pro197Thr; replaces proline 197 with threonine.
Molecular consequence: missense variant. On other transcripts: non-coding transcript variant (3), intron variant (2).
Genome position (GRCh38, 1-based): chr3:12,606,292, G>T on the plus strand (C>A on the coding strand, the complement: RAF1 is on the minus strand). VCF-style: chr3-12606292-G-T. GRCh37 (hg19) VCF-style: chr3-12647791-G-T.
Other names: c.589C>A, p.Pro197Thr (NM_001354689.3, NM_001354690.3); c.346C>A, p.Pro116Thr (NM_001354691.3, NM_001354692.3, NM_001354694.3); c.339-2003C>A (NM_001354695.3); c.582-2003C>A (NM_001354693.3); short protein forms P116T, P197T.
Identifiers: ClinVar variation 1383637 (VCV001383637.8), dbSNP rs563575013, ClinGen allele CA351515125.